The following is an entry in ClinVar:

NM_017739.4(POMGNT1):c.286C>T (p.Arg96Trp)

Gene: POMGNT1 (protein O-linked mannose N-acetylglucosaminyltransferase 1 (beta 1,2-); minus strand). Cytogenetic location: 1p34.1.
Variant type: single nucleotide variant.
Coding change: c.286C>T on transcript NM_017739.4 (MANE Select); coding-DNA position 286, C replaced by T.
Protein change: p.Arg96Trp; replaces arginine 96 with tryptophan.
Molecular consequence: missense variant. On other transcripts: 5 prime UTR variant (1).
Genome position (GRCh38, 1-based): chr1:46,196,799, G>A on the plus strand (C>T on the coding strand, the complement: POMGNT1 is on the minus strand). VCF-style: chr1-46196799-G-A. GRCh37 (hg19) VCF-style: chr1-46662471-G-A.
Other names: c.286C>T (NM_001243766.1); c.286C>T, p.Arg96Trp (NM_001243766.2, NM_001410783.1); c.220C>T, p.Arg74Trp (NM_001290129.3); c.-144C>T (NM_001290130.2); short protein forms R96W, R74W.
Identifiers: ClinVar variation 283338 (VCV000283338.14), dbSNP rs770834730, ClinGen allele CA833798.
Genomic context (GRCh38, chr1:46,196,799, plus strand): 5'-CATCCACTGCCACATATACTTTGCTGCGACTTGAATACACCTCTACGTCCAGGACCCGCC[G>A]GGGACCACTGCCTCTGCGCCGTGGGGGCTCCAGGCGGCCTAGGGCCTCATCTGTGGGGTA-3'
Protein context (NP_060209.4, residues 86-106): EPPRRRGSGP[Arg96Trp]RVLDVEVYSS

ClinVar aggregate classification (germline): Uncertain significance. Review status: criteria provided, multiple submitters, no conflicts (2 of 4 stars). 7 submissions from 7 submitters: Uncertain significance (6). 1 of the submissions does not count toward it. Last evaluated 2025-01-07.

Conditions:
POMGNT1-related disorder. Also called: POMGNT1-related disorders; POMGNT1-related condition. Identifiers: MedGen CN239299.
Inborn genetic diseases. Identifiers: MedGen C0950123, MeSH D030342.
Muscle eye brain disease (MEB). Also called: Santavuori congenital muscular dystrophy. Identifiers: Orphanet 588, Orphanet 899, MedGen C0457133, MONDO:0018939.
Muscular dystrophy-dystroglycanopathy (congenital with impaired intellectual development), type B, 3. Also called: Muscular dystrophy-dystroglycanopathy (congenital with intellectual disability), type B3; MUSCULAR DYSTROPHY, CONGENITAL, POMGNT1-RELATED. Identifiers: MedGen C3150412, MONDO:0013155, OMIM 613151.
Autosomal recessive limb-girdle muscular dystrophy type 2O. Also called: MUSCULAR DYSTROPHY-DYSTROGLYCANOPATHY, LIMB-GIRDLE, POMGNT1-RELATED; Limb-Girdle Muscular Dystrophy Type 3C; MUSCULAR DYSTROPHY-DYSTROGLYCANOPATHY (LIMB-GIRDLE), TYPE C, 3. Identifiers: Orphanet 206564, MedGen C3150417, MONDO:0013161, OMIM 613157.

Allele frequency attached by ClinVar (database versions not stated): gnomAD 0.00002; gnomAD exomes 0.00002 and 0.00003; ExAC 0.00002; TOPMed 0.00003.

Submissions (7):

PreventionGenetics, part of Exact Sciences
Classification: Uncertain significance for POMGNT1-related condition. Last evaluated: 2025-01-07. Review status: criteria provided, single submitter. Criteria: ACMG Guidelines, 2015. Collection method: clinical testing. Allele origin: germline.
Comment: The POMGNT1 c.286C>T variant is predicted to result in the amino acid substitution p.Arg96Trp. To our knowledge, this variant has not been reported in the literature. This variant is reported in 0.025% of alleles in individuals of East Asian descent in gnomAD. At this time, the clinical significance of this variant is uncertain due to the absence of conclusive functional and genetic evidence.

Ambry Genetics
Classification: Uncertain significance for Inborn genetic diseases. Last evaluated: 2024-02-05. Review status: criteria provided, single submitter. Criteria: Ambry Variant Classification Scheme 2023. Collection method: clinical testing. Allele origin: germline.

Labcorp Genetics (formerly Invitae), Labcorp
Classification: Uncertain significance for Autosomal recessive limb-girdle muscular dystrophy type 2O; Muscular dystrophy-dystroglycanopathy (congenital with impaired intellectual development), type B, 3. Last evaluated: 2022-08-09. Review status: criteria provided, single submitter. Criteria: Invitae Variant Classification Sherloc (09022015). Collection method: clinical testing. Allele origin: germline.
Comment: This sequence change replaces arginine, which is basic and polar, with tryptophan, which is neutral and slightly polar, at codon 96 of the POMGNT1 protein (p.Arg96Trp). This variant is present in population databases (rs770834730, gnomAD 0.02%). This variant has not been reported in the literature in individuals affected with POMGNT1-related conditions. ClinVar contains an entry for this variant (Variation ID: 283338). Advanced modeling of protein sequence and biophysical properties (such as structural, functional, and spatial information, amino acid conservation, physicochemical variation, residue mobility, and thermodynamic stability) performed at Invitae indicates that this missense variant is not expected to disrupt POMGNT1 protein function. Algorithms developed to predict the effect of sequence changes on RNA splicing suggest that this variant may disrupt the consensus splice site. In summary, the available evidence is currently insufficient to determine the role of this variant in disease. Therefore, it has been classified as a Variant of Uncertain Significance.

Revvity Omics, Revvity
Classification: Uncertain significance. Last evaluated: 2019-10-31. Review status: criteria provided, single submitter. Criteria: ACMG Guidelines, 2015. Collection method: clinical testing. Allele origin: germline.

GeneDx
Classification: Uncertain significance. Last evaluated: 2018-05-25. Review status: criteria provided, single submitter. Criteria: GeneDx Variant Classification (06012015). Collection method: clinical testing. Allele origin: germline. Affected: yes.
Comment: A variant of uncertain significance has been identified in the POMGNT1 gene. The R96W variant has not been published as a pathogenic variant, nor has it been reported as a benign variant to our knowledge. The R96W variant is observed in 4/18870 (0.02%) alleles from individuals of East Asian background (Lek et al., 2016). The R96W variant is a non-conservative amino acid substitution, which is likely to impact secondary protein structure as these residues differ in polarity, charge, size and/or other properties. In-silico analyses, including protein predictors and evolutionary conservation, support a deleterious effect. Therefore, based on the currently available information, it is unclear whether this variant is a pathogenic variant or a rare benign variant.

Eurofins Ntd Llc (ga)
Classification: Uncertain significance. Last evaluated: 2015-10-06. Review status: criteria provided, single submitter. Criteria: EGL Classification Definitions 2015. Collection method: clinical testing. Allele origin: germline. Observed: 1 variant allele, 1 heterozygote.

Natera, Inc.
Classification: Uncertain significance for Muscle-eye-brain disease. Last evaluated: 2020-09-16. Review status: no assertion criteria provided. Collection method: clinical testing. Allele origin: germline. Not counted in ClinVar's aggregate classification.